The following is an entry in ClinVar:

ClinVar aggregate classification (germline): Uncertain significance. Review status: criteria provided, multiple submitters, no conflicts (2 of 4 stars). 2 submissions from 2 submitters: Uncertain significance (2). Last evaluated 2025-09-17.

Conditions:
CHARGE syndrome (CHARGE). Also called: Hittner Hirsch Kreh syndrome; CHARGE ASSOCIATION--COLOBOMA, HEART ANOMALY, CHOANAL ATRESIA, RETARDATION, GENITAL AND EAR ANOMALIES; Coloboma, heart anomaly, choanal atresia, retardation, genital and ear anomalies; CHARGE association; Hall-Hittner syndrome. Identifiers: Orphanet 138, MedGen C0265354, MONDO:0008965.
Hypogonadotropic hypogonadism 5 with or without anosmia (KAL5). Also called: CHD7-Related GnRH Deficiency (Kallmann Syndrome 5); HYPOGONADOTROPIC HYPOGONADISM 5 WITH ANOSMIA; HYPOGONADOTROPHIC HYPOGONADISM 5 WITHOUT ANOSMIA. Identifiers: Orphanet 478, MedGen C3552553, MONDO:0012880, OMIM 612370. Disease mechanism: loss of function.

Allele frequency attached by ClinVar (database versions not stated): TOPMed below 0.00001.

Submissions (2):

Labcorp Genetics (formerly Invitae), Labcorp
Classification: Uncertain significance for CHARGE syndrome. Last evaluated: 2025-09-17. Review status: criteria provided, single submitter. Criteria: Invitae Variant Classification Sherloc (09022015). Collection method: clinical testing. Allele origin: germline.
Comment: This sequence change replaces serine, which is neutral and polar, with asparagine, which is neutral and polar, at codon 808 of the CHD7 protein (p.Ser808Asn). This variant is not present in population databases (gnomAD no frequency). This variant has not been reported in the literature in individuals affected with CHD7-related conditions. ClinVar contains an entry for this variant (Variation ID: 1916697). Invitae Evidence Modeling of protein sequence and biophysical properties (such as structural, functional, and spatial information, amino acid conservation, physicochemical variation, residue mobility, and thermodynamic stability) has been performed for this missense variant. However, the output from this modeling did not meet the statistical confidence thresholds required to predict the impact of this variant on CHD7 protein function. In summary, the available evidence is currently insufficient to determine the role of this variant in disease. Therefore, it has been classified as a Variant of Uncertain Significance.

Fulgent Genetics
Classification: Uncertain significance for CHD7-related CHARGE syndrome; Hypogonadotropic hypogonadism 5 with or without anosmia. Last evaluated: 2024-06-03. Review status: criteria provided, single submitter. Criteria: ACMG Guidelines, 2015. Collection method: clinical testing. Allele origin: germline.

NM_017780.4(CHD7):c.2423G>A (p.Ser808Asn)

Gene: CHD7 (chromodomain helicase DNA binding protein 7; plus strand). Cytogenetic location: 8q12.2.
Variant type: single nucleotide variant.
Coding change: c.2423G>A on transcript NM_017780.4 (MANE Select); coding-DNA position 2423, G replaced by A.
Protein change: p.Ser808Asn; replaces serine 808 with asparagine.
Molecular consequence: missense variant. On other transcripts: intron variant (1).
Genome position (GRCh38, 1-based): chr8:60,801,574, G>A. VCF-style: chr8-60801574-G-A. GRCh37 (hg19) VCF-style: chr8-61714133-G-A.
Other names: c.1716+20524G>A (NM_001316690.1); short protein forms S808N.
Identifiers: ClinVar variation 1916697 (VCV001916697.6), dbSNP rs761931418, ClinGen allele CA371301511.